The following is an entry in ClinVar:

ClinVar aggregate classification (germline): Uncertain significance (1 of 4 stars; one submission).

Conditions:
Bethlem myopathy 1A. Also called: Bethlem Muscular Dystrophy; MYOPATHY, BENIGN CONGENITAL, WITH CONTRACTURES; Bethlem myopathy 1. Identifiers: Orphanet 610, MedGen CN029274, MONDO:0024530, OMIM 158810.

Allele frequency attached by ClinVar (database versions not stated): ExAC 0.00001; gnomAD exomes 0.00001; TOPMed 0.00001.
gnomAD v4.1: 20 of 1,614,132 alleles (0.0012%); highest among the groups gnomAD compares: Admixed American, 0.005%; no homozygotes.

Submission:

Labcorp Genetics (formerly Invitae), Labcorp
Classification: Uncertain significance for Bethlem myopathy 1A. Last evaluated: 2022-11-08. Review status: criteria provided, single submitter. Criteria: Invitae Variant Classification Sherloc (09022015). Collection method: clinical testing. Allele origin: germline.
Comment: In summary, the available evidence is currently insufficient to determine the role of this variant in disease. Therefore, it has been classified as a Variant of Uncertain Significance. Algorithms developed to predict the effect of missense changes on protein structure and function are either unavailable or do not agree on the potential impact of this missense change (SIFT: "Tolerated"; PolyPhen-2: "Not Available"; Align-GVGD: "Class C15"). This variant has not been reported in the literature in individuals affected with COL6A3-related conditions. This variant is present in population databases (rs764688620, gnomAD 0.006%). This sequence change replaces proline, which is neutral and non-polar, with serine, which is neutral and polar, at codon 2388 of the COL6A3 protein (p.Pro2388Ser).

NM_004369.4(COL6A3):c.7162C>T (p.Pro2388Ser)

Gene: COL6A3 (collagen type VI alpha 3 chain; minus strand). Cytogenetic location: 2q37.3.
Variant type: single nucleotide variant.
Coding change: c.7162C>T on transcript NM_004369.4 (MANE Select); coding-DNA position 7162, C replaced by T.
Protein change: p.Pro2388Ser; replaces proline 2388 with serine.
Molecular consequence: missense variant.
Genome position (GRCh38, 1-based): chr2:237,345,058, G>A on the plus strand (C>T on the coding strand, the complement: COL6A3 is on the minus strand). VCF-style: chr2-237345058-G-A. GRCh37 (hg19) VCF-style: chr2-238253701-G-A.
Other names: c.5341C>T, p.Pro1781Ser (NM_057166.5); c.6544C>T, p.Pro2182Ser (NM_057167.4); short protein forms P1781S, P2182S, P2388S.
Identifiers: ClinVar variation 2198581 (VCV002198581.4), dbSNP rs764688620, ClinGen allele CA2187900.